The following is an entry in ClinVar:

NM_031942.5(CDCA7):c.380G>C (p.Gly127Ala)

Gene: CDCA7 (cell division cycle associated 7; plus strand). Cytogenetic location: 2q31.1.
Variant type: single nucleotide variant.
Coding change: c.380G>C on transcript NM_031942.5 (MANE Select); coding-DNA position 380, G replaced by C.
Protein change: p.Gly127Ala; replaces glycine 127 with alanine.
Molecular consequence: missense variant. On other transcripts: intron variant (1).
Genome position (GRCh38, 1-based): chr2:173,359,487, G>C. VCF-style: chr2-173359487-G-C. GRCh37 (hg19) VCF-style: chr2-174224215-G-C.
Other names: c.147+650G>C (NM_145810.3); short protein forms G127A.
Identifiers: ClinVar variation 1372393 (VCV001372393.3), dbSNP rs139109928, ClinGen allele CA1971215.

ClinVar aggregate classification (germline): Uncertain significance (1 of 4 stars; one submission).

Allele frequency attached by ClinVar (database versions not stated): gnomAD exomes 0.00002 and 0.00007; ExAC 0.00014; gnomAD 0.00018 and 0.00019; TOPMed 0.00029; 1000 Genomes Project 0.00060; ESP Exome Variant Server 0.00069; 1000 Genomes Project 30x 0.00078.

Submission:

Labcorp Genetics (formerly Invitae), Labcorp
Classification: Uncertain significance. Last evaluated: 2022-08-09. Review status: criteria provided, single submitter. Criteria: Invitae Variant Classification Sherloc (09022015). Collection method: clinical testing. Allele origin: germline.
Comment: This sequence change replaces glycine, which is neutral and non-polar, with alanine, which is neutral and non-polar, at codon 127 of the CDCA7 protein (p.Gly127Ala). This variant is present in population databases (rs139109928, gnomAD 0.09%). This variant has not been reported in the literature in individuals affected with CDCA7-related conditions. ClinVar contains an entry for this variant (Variation ID: 1372393). Algorithms developed to predict the effect of missense changes on protein structure and function (SIFT, PolyPhen-2, Align-GVGD) all suggest that this variant is likely to be tolerated. In summary, the available evidence is currently insufficient to determine the role of this variant in disease. Therefore, it has been classified as a Variant of Uncertain Significance.